The following is an entry in ClinVar:

NM_032444.4(SLX4):c.806C>T (p.Ala269Val)

Gene: SLX4 (SLX4 structure-specific endonuclease subunit; minus strand). Cytogenetic location: 16p13.3.
Variant type: single nucleotide variant.
Coding change: c.806C>T on transcript NM_032444.4 (MANE Select); coding-DNA position 806, C replaced by T.
Protein change: p.Ala269Val; replaces alanine 269 with valine.
Molecular consequence: missense variant.
Genome position (GRCh38, 1-based): chr16:3,602,262, G>A on the plus strand (C>T on the coding strand, the complement: SLX4 is on the minus strand). VCF-style: chr16-3602262-G-A. GRCh37 (hg19) VCF-style: chr16-3652263-G-A.
Other names: c.806C>T (LRG_503t1); short protein forms A269V.
Identifiers: ClinVar variation 241700 (VCV000241700.6), dbSNP rs750475726, ClinGen allele CA7866734.
Genomic context (GRCh38, chr16:3,602,262, plus strand): 5'-TCCAGGCTATCATCATGTGCCGATGCTCCTACCCGTGCAAACTCCTGCTGCAGGGTCAAG[G>A]CCACCGCAGCGTCGCTCTCTGGGGCAGGGGGCCCAAGCCCATACACTGTGGAGAAGCACC-3'
Protein context (NP_115820.2, residues 259-279): PPAPESDAAV[Ala269Val]LTLQQEFARV

ClinVar aggregate classification (germline): Uncertain significance (1 of 4 stars; one submission).

Conditions:
Fanconi anemia (FA). Also called: Fanconi's anemia. Identifiers: Orphanet 84, MedGen C0015625, MeSH D005199, MONDO:0019391.

Allele frequency attached by ClinVar (database versions not stated): gnomAD exomes below 0.00001 and 0.00001; ExAC 0.00001; TOPMed 0.00002; gnomAD 0.00001.
gnomAD v4.1: 10 of 1,614,030 alleles (0.00062%); highest among the groups gnomAD compares: Non-Finnish European, 0.00085%; no homozygotes.

Submission:

Labcorp Genetics (formerly Invitae), Labcorp
Classification: Uncertain significance for Fanconi anemia. Last evaluated: 2024-08-05. Review status: criteria provided, single submitter. Criteria: Invitae Variant Classification Sherloc (09022015). Collection method: clinical testing. Allele origin: germline.
Comment: This sequence change replaces alanine, which is neutral and non-polar, with valine, which is neutral and non-polar, at codon 269 of the SLX4 protein (p.Ala269Val). This variant is present in population databases (rs750475726, gnomAD 0.002%). This variant has not been reported in the literature in individuals affected with SLX4-related conditions. ClinVar contains an entry for this variant (Variation ID: 241700). An algorithm developed to predict the effect of missense changes on protein structure and function (PolyPhen-2) suggests that this variant is likely to be disruptive. In summary, the available evidence is currently insufficient to determine the role of this variant in disease. Therefore, it has been classified as a Variant of Uncertain Significance.